The following is an entry in ClinVar:

NM_001620.3(AHNAK):c.16348C>T (p.Pro5450Ser)

Gene: AHNAK (AHNAK nucleoprotein; minus strand). Cytogenetic location: 11q12.3.
Variant type: single nucleotide variant.
Coding change: c.16348C>T on transcript NM_001620.3 (MANE Select); coding-DNA position 16348, C replaced by T.
Protein change: p.Pro5450Ser; replaces proline 5450 with serine.
Molecular consequence: missense variant. On other transcripts: intron variant (1).
Genome position (GRCh38, 1-based): chr11:62,518,069, G>A on the plus strand (C>T on the coding strand, the complement: AHNAK is on the minus strand). VCF-style: chr11-62518069-G-A. GRCh37 (hg19) VCF-style: chr11-62285541-G-A.
Other names: c.16348C>T, p.Pro5450Ser (NM_001346445.2, NM_001346446.2); c.342+16934C>T (NM_024060.4); short protein forms P5450S.
Identifiers: ClinVar variation 3770849 (VCV003770849.13).

ClinVar aggregate classification (germline): Likely benign (1 of 4 stars; one submission).

gnomAD v4.1: 2,473 of 1,614,148 alleles (0.15%); highest among the groups gnomAD compares: Non-Finnish European, 0.19%; 2 homozygotes.

Submission:

CeGaT Center for Human Genetics Tuebingen
Classification: Likely benign. Last evaluated: 2025-02-01. Review status: criteria provided, single submitter. Criteria: CeGaT Center For Human Genetics Tuebingen Variant Classification Criteria Version 2. Collection method: clinical testing. Allele origin: germline. Affected: yes. Observed: 1 variant allele.
Comment: AHNAK: BP4, BS2